The following is an entry in ClinVar:

ClinVar aggregate classification (germline): Conflicting classifications of pathogenicity. Review status: criteria provided, conflicting classifications (1 of 4 stars). 3 submissions from 3 submitters: Pathogenic (1); Uncertain significance (1). 1 of the submissions does not count toward it. Last evaluated 2024-12-17.

Conditions:
ALG3-congenital disorder of glycosylation. Also called: ALG3-CDG; CARBOHYDRATE-DEFICIENT GLYCOPROTEIN SYNDROME, TYPE IV; CDGS, TYPE IV; CONGENITAL DISORDER OF GLYCOSYLATION, TYPE Id; CDG Id. Identifiers: Orphanet 79321, MedGen C1832736, MONDO:0010998, OMIM 601110.

Allele frequency attached by ClinVar (database versions not stated): gnomAD 0.00001; TOPMed 0.00002; ESP Exome Variant Server 0.00008.
gnomAD v4.1: 5 of 1,613,704 alleles (0.00031%); highest among the groups gnomAD compares: Non-Finnish European, 0.00042%; no homozygotes.

Submissions (3):

Women's Health and Genetics/Laboratory Corporation of America, LabCorp
Classification: Uncertain significance. Last evaluated: 2024-12-17. Review status: criteria provided, single submitter. Criteria: LabCorp Variant Classification Summary - May 2015. Collection method: clinical testing. Allele origin: germline.
Comment: Variant summary: ALG3 c.350G>C (p.Arg117Pro) results in a non-conservative amino acid change in the encoded protein sequence. Three of five in-silico tools predict a benign effect of the variant on protein function. The variant allele was found at a frequency of 4e-06 in 248826 control chromosomes (gnomAD). The available data on variant occurrences in the general population are insufficient to allow any conclusion about variant significance. c.350G>C has been reported in the literature in an individual affected with ALG3-congenital disorder of glycosylation (Himmelreich_2019). These data do not allow any conclusion about variant significance. To our knowledge, no experimental evidence demonstrating an impact on protein function has been reported. The following publication has been ascertained in the context of this evaluation (PMID: 31067009). ClinVar contains an entry for this variant (Variation ID: 617674). Based on the evidence outlined above, the variant was classified as uncertain significance.

Equipe Genetique des Anomalies du Developpement, Université de Bourgogne
Classification: Pathogenic for ALG3-congenital disorder of glycosylation. Review status: criteria provided, single submitter. Criteria: ACMG Guidelines, 2015. Collection method: research. Allele origin: paternal. Affected: yes.

Lab Thiel (Congenital Disorders of Glycosylation), Center for Child and Adolescent Medicine
Classification: Pathogenic for ALG3-congenital disorder of glycosylation. Review status: no assertion criteria provided. Collection method: research. Allele origin: germline. Inheritance: Autosomal recessive inheritance. Affected: yes. Observed: 1 compound heterozygote. Not counted in ClinVar's aggregate classification.
Comment: This glycosylation deficiency was biochemically approved by analysis of dolichol-linked oligosaccharides. The variant is absent from large population studies. In summary, the p.R117P variant meets our criteria to be classified as pathogenic.

Literature cited by the submitters: PubMed 31067009 (cited by Women's Health and Genetics/Laboratory Corporation of America, LabCorp).

NM_005787.6(ALG3):c.350G>C (p.Arg117Pro)

Gene: ALG3 (ALG3 alpha-1,3- mannosyltransferase; minus strand). Cytogenetic location: 3q27.1.
Variant type: single nucleotide variant.
Coding change: c.350G>C on transcript NM_005787.6 (MANE Select); coding-DNA position 350, G replaced by C.
Protein change: p.Arg117Pro; replaces arginine 117 with proline.
Molecular consequence: missense variant. On other transcripts: non-coding transcript variant (2).
Genome position (GRCh38, 1-based): chr3:184,245,562, C>G on the plus strand (G>C on the coding strand, the complement: ALG3 is on the minus strand). VCF-style: chr3-184245562-C-G. GRCh37 (hg19) VCF-style: chr3-183963350-C-G.
Other names: c.206G>C, p.Arg69Pro (NM_001006941.2); short protein forms R117P, R69P.
Identifiers: ClinVar variation 617674 (VCV000617674.3), dbSNP rs370434427, ClinGen allele CA2729557.
Genomic context (GRCh38, chr3:184,245,562, plus strand): 5'-AGCAAGGTAGCCAGGTAGAGCACAGCAAAGATGTTCTGGGCCATGCGGATGTCAGTGCCT[C>G]GGCTGGTGGCATAGTACAACCCCATAAAGATGTACACGAAACCAGCTGGGTACCTGGAAG-3'
Protein context (NP_005778.1, residues 107-127): IFMGLYYATS[Arg117Pro]GTDIRMAQNI